The following is an entry in ClinVar:

NM_000038.6(APC):c.7479A>G (p.Leu2493=)

Gene: APC (APC regulator of Wnt signaling pathway; plus strand). Cytogenetic location: 5q22.2.
Variant type: single nucleotide variant.
Coding change: c.7479A>G on transcript NM_000038.6 (MANE Select); coding-DNA position 7479, A replaced by G.
Protein change: p.Leu2493=; no amino-acid change (leucine 2493 retained).
Molecular consequence: synonymous variant.
Genome position (GRCh38, 1-based): chr5:112,843,073, A>G. VCF-style: chr5-112843073-A-G. GRCh37 (hg19) VCF-style: chr5-112178770-A-G.
Other names: c.7479A>G, p.Leu2493= (NM_001127510.3, NM_001354895.2); c.7425A>G, p.Leu2475= (NM_001127511.3); c.7533A>G, p.Leu2511= (NM_001354896.2); c.7509A>G, p.Leu2503= (NM_001354897.2); c.7404A>G, p.Leu2468= (NM_001354898.2); c.7395A>G, p.Leu2465= (NM_001354899.2); c.7356A>G, p.Leu2452= (NM_001354900.2); c.7302A>G, p.Leu2434= (NM_001354901.2); and 5 more.
Identifiers: ClinVar variation 482444 (VCV000482444.30), dbSNP rs775954189, ClinGen allele CA048203.

ClinVar aggregate classification (germline): Benign/Likely benign. Review status: criteria provided, multiple submitters, no conflicts (2 of 4 stars). 7 submissions from 7 submitters: Benign (1); Likely benign (6). Last evaluated 2025-12-09.

Conditions:
Familial adenomatous polyposis 1 (FAP1). Also called: FAMILIAL ADENOMATOUS POLYPOSIS 1, ATTENUATED; POLYPOSIS, ADENOMATOUS INTESTINAL. Identifiers: MedGen C2713442, MONDO:0021056, OMIM 175100. Disease mechanism: loss of function.
Hereditary cancer-predisposing syndrome. Also called: Hereditary neoplastic syndrome; Tumor predisposition; Neoplastic Syndromes, Hereditary; Hereditary Cancer Syndrome. Identifiers: Orphanet 140162, MedGen C0027672, MeSH D009386, MONDO:0015356.

Allele frequency attached by ClinVar (database versions not stated): ExAC 0.00001; gnomAD 0.00001; gnomAD exomes 0.00001; TOPMed 0.00002.
gnomAD v4.1: 10 of 1,613,864 alleles (0.00062%); highest among the groups gnomAD compares: African/African-American, 0.0067%; no homozygotes.

Submissions (7):

Labcorp Genetics (formerly Invitae), Labcorp
Classification: Likely benign for Familial adenomatous polyposis 1. Last evaluated: 2025-12-09. Review status: criteria provided, single submitter. Criteria: Invitae Variant Classification Sherloc (09022015). Collection method: clinical testing. Allele origin: germline.

CeGaT Center for Human Genetics Tuebingen
Classification: Likely benign. Last evaluated: 2025-08-01. Review status: criteria provided, single submitter. Criteria: CeGaT Center For Human Genetics Tuebingen Variant Classification Criteria Version 2. Collection method: clinical testing. Allele origin: germline. Affected: yes. Observed: 1 variant allele.
Comment: APC: BP4, BP7

Myriad Genetics, Inc.
Classification: Benign for Familial adenomatous polyposis 1. Last evaluated: 2024-04-09. Review status: criteria provided, single submitter. Criteria: Myriad Autosomal Dominant, Autosomal Recessive and X-Linked Classification Criteria (2023). Collection method: clinical testing. Allele origin: unknown.
Comment: This variant is considered benign. This variant is a silent/synonymous amino acid change and it is not expected to impact splicing.

GeneDx
Classification: Likely benign. Last evaluated: 2021-06-13. Review status: criteria provided, single submitter. Criteria: GeneDx Variant Classification Process June 2021. Collection method: clinical testing. Allele origin: germline. Affected: yes.

Women's Health and Genetics/Laboratory Corporation of America, LabCorp
Classification: Likely benign. Last evaluated: 2019-12-14. Review status: criteria provided, single submitter. Criteria: LabCorp Variant Classification Summary - May 2015. Collection method: clinical testing. Allele origin: germline.

Color Diagnostics, LLC DBA Color Health
Classification: Likely benign for Hereditary cancer-predisposing syndrome. Last evaluated: 2019-01-02. Review status: criteria provided, single submitter. Criteria: ACMG Guidelines, 2015. Collection method: clinical testing. Allele origin: germline.

Ambry Genetics
Classification: Likely benign for Hereditary cancer-predisposing syndrome. Last evaluated: 2017-01-30. Review status: criteria provided, single submitter. Criteria: Ambry Variant Classification Scheme 2023. Collection method: clinical testing. Allele origin: germline.